The following is an entry in ClinVar:

NM_017534.6(MYH2):c.3263+11_3263+15delinsG

Genes: MYH2 (myosin heavy chain 2; minus strand), MYHAS (myosin heavy chain gene cluster antisense RNA; plus strand). Cytogenetic location: 17p13.1.
Variant type: Indel.
Coding change: c.3263+11_3263+15delinsG on transcript NM_017534.6 (MANE Select); bases 11 to 15 of the intron after coding-DNA position 3263, AAGAA replaced by G.
Molecular consequence: intron variant.
Genome position (GRCh38, 1-based): chr17:10,529,321-10,529,325, TTCTT replaced by C on the plus strand (AAGAA replaced by G on the coding strand, the reverse complement: MYH2 is on the minus strand). VCF-style: chr17-10529321-TTCTT-C. GRCh37 (hg19) VCF-style: chr17-10432638-TTCTT-C.
Other names: c.3263+11_3263+15delinsG (NM_001100112.2).
Identifiers: ClinVar variation 3056172 (VCV003056172.1), dbSNP rs2508430619, ClinGen allele CA2740095267.

ClinVar aggregate classification (germline): Likely benign (1 of 4 stars; one submission).

Conditions:
MYH2-related disorder. Also called: MYH2-related condition.

Submission:

PreventionGenetics, part of Exact Sciences
Classification: Likely benign for MYH2-related condition. Last evaluated: 2021-07-28. Review status: criteria provided, single submitter. Criteria: ACMG Guidelines, 2015. Collection method: clinical testing. Allele origin: germline.
Comment: This variant is classified as likely benign based on ACMG/AMP sequence variant interpretation guidelines (Richards et al. 2015 PMID: 25741868, with internal and published modifications).